The following is an entry in ClinVar:

NM_145059.3(FCSK):c.681C>G (p.Phe227Leu)

Gene: FCSK (fucose kinase; plus strand). Cytogenetic location: 16q22.1.
Variant type: single nucleotide variant.
Coding change: c.681C>G on transcript NM_145059.3 (MANE Select); coding-DNA position 681, C replaced by G.
Protein change: p.Phe227Leu; replaces phenylalanine 227 with leucine.
Molecular consequence: missense variant.
Genome position (GRCh38, 1-based): chr16:70,468,866, C>G. VCF-style: chr16-70468866-C-G. GRCh37 (hg19) VCF-style: chr16-70502769-C-G.
Other names: short protein forms F227L.
Identifiers: ClinVar variation 1947795 (VCV001947795.5), dbSNP rs762120135, ClinGen allele CA8143049.

ClinVar aggregate classification (germline): Uncertain significance (1 of 4 stars; one submission).

Allele frequency attached by ClinVar (database versions not stated): ExAC 0.00001; gnomAD exomes 0.00001.
gnomAD v4.1: 6 of 1,614,124 alleles (0.00037%); highest among the groups gnomAD compares: Admixed American, 0.01%; no homozygotes.

Submission:

Labcorp Genetics (formerly Invitae), Labcorp
Classification: Uncertain significance. Last evaluated: 2025-02-03. Review status: criteria provided, single submitter. Criteria: Invitae Variant Classification Sherloc (09022015). Collection method: clinical testing. Allele origin: germline.
Comment: This sequence change replaces phenylalanine, which is neutral and non-polar, with leucine, which is neutral and non-polar, at codon 227 of the FUK protein (p.Phe227Leu). This variant is present in population databases (rs762120135, gnomAD 0.02%). This variant has not been reported in the literature in individuals affected with FUK-related conditions. ClinVar contains an entry for this variant (Variation ID: 1947795). An algorithm developed to predict the effect of missense changes on protein structure and function (PolyPhen-2) suggests that this variant is likely to be disruptive. In summary, the available evidence is currently insufficient to determine the role of this variant in disease. Therefore, it has been classified as a Variant of Uncertain Significance.